The following is an entry in ClinVar:

ClinVar aggregate classification (germline): Uncertain significance (1 of 4 stars; one submission).

Allele frequency attached by ClinVar (database versions not stated): gnomAD 0.00001; TOPMed 0.00002; gnomAD exomes 0.00001; ExAC 0.00009.
gnomAD v4.1: 16 of 1,593,930 alleles (0.001%); highest among the groups gnomAD compares: Admixed American, 0.025%; no homozygotes.

Submission:

Labcorp Genetics (formerly Invitae), Labcorp
Classification: Uncertain significance. Last evaluated: 2022-02-08. Review status: criteria provided, single submitter. Criteria: Invitae Variant Classification Sherloc (09022015). Collection method: clinical testing. Allele origin: germline.
Comment: In summary, the available evidence is currently insufficient to determine the role of this variant in disease. Therefore, it has been classified as a Variant of Uncertain Significance. Algorithms developed to predict the effect of missense changes on protein structure and function (SIFT, PolyPhen-2, Align-GVGD) all suggest that this variant is likely to be tolerated. This variant has not been reported in the literature in individuals affected with NECTIN1-related conditions. This variant is present in population databases (rs762583153, gnomAD 0.05%). This sequence change replaces proline, which is neutral and non-polar, with serine, which is neutral and polar, at codon 342 of the NECTIN1 protein (p.Pro342Ser).

NM_002855.5(NECTIN1):c.1024C>T (p.Pro342Ser)

Gene: NECTIN1 (nectin cell adhesion molecule 1; minus strand). Cytogenetic location: 11q23.3.
Variant type: single nucleotide variant.
Coding change: c.1024C>T on transcript NM_002855.5 (MANE Select); coding-DNA position 1024, C replaced by T.
Protein change: p.Pro342Ser; replaces proline 342 with serine.
Molecular consequence: missense variant. On other transcripts: intron variant (1).
Genome position (GRCh38, 1-based): chr11:119,665,277, G>A on the plus strand (C>T on the coding strand, the complement: NECTIN1 is on the minus strand). VCF-style: chr11-119665277-G-A. GRCh37 (hg19) VCF-style: chr11-119535987-G-A.
Other names: c.1003+9882C>T (NM_203285.2); short protein forms P342S.
Identifiers: ClinVar variation 2067593 (VCV002067593.4), dbSNP rs762583153, ClinGen allele CA6321889.